The following is an entry in ClinVar:

NM_000051.4(ATM):c.2823C>A (p.Ser941=)

Gene: ATM (ATM serine/threonine kinase; plus strand). Cytogenetic location: 11q22.3.
Variant type: single nucleotide variant.
Coding change: c.2823C>A on transcript NM_000051.4 (MANE Select); coding-DNA position 2823, C replaced by A.
Protein change: p.Ser941=; no amino-acid change (serine 941 retained).
Molecular consequence: synonymous variant.
Genome position (GRCh38, 1-based): chr11:108,268,594, C>A. VCF-style: chr11-108268594-C-A. GRCh37 (hg19) VCF-style: chr11-108139321-C-A.
Other names: c.2823C>A, p.Ser941= (NM_001351834.2).
Identifiers: ClinVar variation 386208 (VCV000386208.18), dbSNP rs750504746, ClinGen allele CA6265118.
Genomic context (GRCh38, chr11:108,268,594, plus strand): 5'-TGATATTCGGAGGAAATTGTTAATGTTAATTGATTCTAGCACGCTAGAACCTACCAAATC[C>A]CTCCACCTGCATATGGTGAGTTACGTTAAATGAAGAAGCTCTTGGATTTTATCTGATGTT-3'
Protein context (NP_000042.3, residues 931-951): IDSSTLEPTK[Ser941=]LHLHMYLMLL

ClinVar aggregate classification (germline): Benign/Likely benign. Review status: criteria provided, multiple submitters, no conflicts (2 of 4 stars). 5 submissions from 5 submitters: Benign (1); Likely benign (4). Last evaluated 2025-11-17.

Conditions:
Hereditary cancer-predisposing syndrome. Also called: Neoplastic Syndromes, Hereditary; Hereditary neoplastic syndrome; Tumor predisposition; Hereditary Cancer Syndrome. Identifiers: Orphanet 140162, MedGen C0027672, MeSH D009386, MONDO:0015356.
Familial cancer of breast. Also called: BREAST CANCER, FAMILIAL; hereditary breast carcinoma; Hereditary breast cancer. Identifiers: Orphanet 227535, MedGen C0346153, MONDO:0016419, OMIM 114480. Disease mechanism: loss of function.
Ataxia-telangiectasia syndrome (AT). Also called: AT, COMPLEMENTATION GROUP C; ATAXIA-TELANGIECTASIA, COMPLEMENTATION GROUP A; ATAXIA-TELANGIECTASIA, FRESNO VARIANT; LOUIS-BAR SYNDROME; Ataxia-telangiectasia; Cerebello-oculocutaneous telangiectasia. Identifiers: Orphanet 100, MedGen C0004135, MONDO:0008840, OMIM 208900.

Allele frequency attached by ClinVar (database versions not stated): ExAC 0.00006; gnomAD exomes 0.00006; gnomAD below 0.00001 and 0.00003.
gnomAD v4.1: 49 of 1,613,812 alleles (0.003%); highest among the groups gnomAD compares: South Asian, 0.052%; 1 homozygote.

Submissions (5):

Labcorp Genetics (formerly Invitae), Labcorp
Classification: Likely benign for Ataxia-telangiectasia syndrome. Last evaluated: 2025-11-17. Review status: criteria provided, single submitter. Criteria: Invitae Variant Classification Sherloc (09022015). Collection method: clinical testing. Allele origin: germline.

Myriad Genetics, Inc.
Classification: Benign for Familial cancer of breast. Last evaluated: 2024-05-10. Review status: criteria provided, single submitter. Criteria: Myriad Autosomal Dominant, Autosomal Recessive and X-Linked Classification Criteria (2023). Collection method: clinical testing. Allele origin: unknown.
Comment: This variant is considered benign. This variant is a silent/synonymous amino acid change and it is not expected to impact splicing.

GeneDx
Classification: Likely benign. Last evaluated: 2020-10-21. Review status: criteria provided, single submitter. Criteria: GeneDx Variant Classification Process June 2021. Collection method: clinical testing. Allele origin: germline. Affected: yes.

Ambry Genetics
Classification: Likely benign for Hereditary cancer-predisposing syndrome. Last evaluated: 2019-11-20. Review status: criteria provided, single submitter. Criteria: Ambry Variant Classification Scheme 2023. Collection method: clinical testing. Allele origin: germline.

Color Diagnostics, LLC DBA Color Health
Classification: Likely benign for Hereditary cancer-predisposing syndrome. Last evaluated: 2018-11-27. Review status: criteria provided, single submitter. Criteria: ACMG Guidelines, 2015. Collection method: clinical testing. Allele origin: germline.